The following is an entry in ClinVar:

NM_030632.3(ASXL3):c.4706_4710del (p.Lys1568_Leu1569insTer)

Gene: ASXL3 (ASXL transcriptional regulator 3; plus strand). Cytogenetic location: 18q12.1.
Variant type: Microsatellite.
Coding change: c.4706_4710del on transcript NM_030632.3 (MANE Select); coding-DNA positions 4706 to 4710, 5 bases deleted (TAAAT; older notation c.4706_4710delTAAAT).
Protein change: p.Lys1568_Leu1569insTer.
Molecular consequence: nonsense.
Genome position (GRCh38, 1-based): chr18:33,744,554-33,744,558, TAAAT deleted; deleting any 5 consecutive bases within chr18:33,744,549-33,744,558 gives the same sequence; the c. name uses the placement nearest the transcript's 3' end. VCF-style (leftmost placement, unchanged base first): chr18-33744548-ATAAAT-A. GRCh37 (hg19) VCF-style: chr18-31324512-ATAAAT-A.
Identifiers: ClinVar variation 1338527 (VCV001338527.6), dbSNP rs2145429370, ClinGen allele CA2580612977.

ClinVar aggregate classification (germline): Pathogenic/Likely pathogenic. Review status: criteria provided, multiple submitters, no conflicts (2 of 4 stars). 2 submissions from 2 submitters: Pathogenic (1); Likely pathogenic (1). Last evaluated 2024-03-25.

Submissions (2):

GeneDx
Classification: Likely pathogenic. Last evaluated: 2024-03-25. Review status: criteria provided, single submitter. Criteria: GeneDx Variant Classification Process June 2021. Collection method: clinical testing. Allele origin: germline.
Comment: Nonsense variant in the C-terminus predicted to result in protein truncation, as the last 680 amino acids are lost, and other loss-of-function variants have been reported downstream in HGMD; Not observed at significant frequency in large population cohorts (gnomAD); This variant is associated with the following publications: (PMID: 32005694)

Genetic Services Laboratory, University of Chicago
Classification: Pathogenic. Last evaluated: 2021-03-24. Review status: criteria provided, single submitter. Criteria: ACMG Guidelines, 2015. Collection method: clinical testing. Allele origin: germline. Affected: yes.
Comment: DNA sequence analysis of the ASXL3 gene demonstrated a 5 base pair deletion in exon 12, c.4706_4710del. This deletion results in the creation of a premature stop codon at amino acid position 1569, p.Leu1569*. Sequence changes resulting in the creation of a premature stop codon are typically predicted to result in an abnormal transcript, which may be degraded, or may lead to the production of a truncated ASXL3 protein with potentially abnormal function. Since this sequence change is present in the last exon of the gene, the transcript is predicted to escape nonsense mediated decay. While this deletion has not previously been described in the literature, other small deletions in the ASXL3 gene which are upstream to this position have been described in several patients with ASXL3-related disorder (Balasubramanian et al., 2017 and Bainbridge et al., 2013). The c.4706_4710del sequence change is a novel sequence change and has not been described in the population databases (ExAC and gnomAD).